The following is an entry in ClinVar:

ClinVar aggregate classification (germline): Likely pathogenic (1 of 4 stars; one submission).

Conditions:
Rhabdoid tumor predisposition syndrome 2 (RTPS2). Identifiers: Orphanet 231108, Orphanet 69077, MedGen C2750074, MONDO:0013224, OMIM 613325.
Intellectual disability, autosomal dominant 16 (CSS4). Also called: COFFIN-SIRIS SYNDROME 4. Identifiers: Orphanet 1465, MedGen C3553249, MONDO:0013821, OMIM 614609.

Submissions (2):

Molecular Genetics Department, Kulakov National Medical Research Center for Obstetrics, Gynecology and Perinatology
Classification: Likely pathogenic for Rhabdoid tumor predisposition syndrome 2; Intellectual disability, autosomal dominant 16. Review status: criteria provided, single submitter. Criteria: ACMG Guidelines, 2015. Collection method: clinical testing. Allele origin: germline. Affected: yes. Observed: 1 variant allele.
Comment: A previously undescribed heterozygous nucleotide variant creates an alteration of the canonical splice site c.4533+1G>A in the SMARCA4 gene. Heterozygous loss of function variants are reported in patients with {Rhabdoid tumor predisposition syndrome 2}, 613325; heterozygous missense variants are reported in patients with Coffin-Siris syndrome 4, 614609. The variant is not present in population database (gnomAD no frequency). It should be noted that SMARCA4-associated rhabdoid tumor predisposition syndrome is characterized by incomplete penetrance (13–15%) [GeneReviews: Rhabdoid Tumor Predisposition Syndrome; Holsten et al., 2018, PMID: 29706634]. In summary, the currently available evidence indicates that the variant is pathogenic, but additional data are needed to prove that conclusively. Therefore, this variant has been classified as likely pathogenic.

Dr. Peter K. Rogan Lab, Western University
No classification provided (evidence only). Condition: Ovarian serous cystadenocarcinoma. Review status: no classification provided. Collection method: in vitro. Allele origin: not applicable. Functional consequence: retained intron. Not counted in ClinVar's aggregate classification.

Literature cited by the submitters: PubMed 29706634 (cited by Molecular Genetics Department, Kulakov National Medical Research Center for Obstetrics, Gynecology and Perinatology).

NM_003072.5(SMARCA4):c.4533+1G>A

Gene: SMARCA4 (SWI/SNF related BAF chromatin remodeling complex subunit ATPase 4; plus strand). Cytogenetic location: 19p13.2.
Variant type: single nucleotide variant.
Coding change: c.4533+1G>A on transcript NM_003072.5 (MANE Select); the canonical splice donor site of the intron after coding-DNA position 4533, G replaced by A.
Molecular consequence: splice donor variant.
Genome position (GRCh38, 1-based): chr19:11,058,364, G>A. VCF-style: chr19-11058364-G-A. GRCh37 (hg19) VCF-style: chr19-11169040-G-A.
Other names: NC_000019.9:g.11169040G>A; c.4533+1G>A (NM_001128844.3); c.4629+1G>A (NM_001128849.3, NM_001387283.1); c.4434+1G>A (NM_001128847.4, NM_001374457.1); c.4530+1G>A (NM_001411150.1); c.4443+1G>A (NM_001128845.2); c.4440+1G>A (NM_001128846.2); c.4431+1G>A (NM_001128848.2).
Identifiers: ClinVar variation 4294506 (VCV004294506.1).